The following is an entry in ClinVar:

ClinVar aggregate classification (germline): Likely benign. Review status: criteria provided, multiple submitters, no conflicts (2 of 4 stars). 2 submissions from 2 submitters: Likely benign (2). Last evaluated 2025-06-16.

Conditions:
Familial cancer of breast. Also called: Hereditary breast cancer; hereditary breast carcinoma; BREAST CANCER, FAMILIAL. Identifiers: Orphanet 227535, MedGen C0346153, MONDO:0016419, OMIM 114480. Disease mechanism: loss of function.

Allele frequency attached by ClinVar (database versions not stated): gnomAD exomes below 0.00001; ExAC 0.00001.

Submissions (2):

Labcorp Genetics (formerly Invitae), Labcorp
Classification: Likely benign for Familial cancer of breast. Last evaluated: 2025-06-16. Review status: criteria provided, single submitter. Criteria: Invitae Variant Classification Sherloc (09022015). Collection method: clinical testing. Allele origin: germline.

Myriad Genetics, Inc.
Classification: Likely benign for Familial cancer of breast. Last evaluated: 2024-07-19. Review status: criteria provided, single submitter. Criteria: Myriad Autosomal Dominant, Autosomal Recessive and X-Linked Classification Criteria (2023). Collection method: clinical testing. Allele origin: unknown.
Comment: This variant is considered likely benign. This variant is intronic and is not expected to impact mRNA splicing.

NM_000465.4(BARD1):c.364+8C>T

Gene: BARD1 (BRCA1 associated RING domain 1; minus strand). Cytogenetic location: 2q35.
Variant type: single nucleotide variant.
Coding change: c.364+8C>T on transcript NM_000465.4 (MANE Select); 8 bases into the intron after coding-DNA position 364, C replaced by T.
Molecular consequence: intron variant.
Genome position (GRCh38, 1-based): chr2:214,792,289, G>A on the plus strand (C>T on the coding strand, the complement: BARD1 is on the minus strand). VCF-style: chr2-214792289-G-A. GRCh37 (hg19) VCF-style: chr2-215657013-G-A.
Other names: c.158+17123C>T (NM_001282548.2); c.307+8C>T (NM_001282543.2); c.215+4772C>T (NM_001282545.2); c.364+8C>T (NM_001282549.2).
Identifiers: ClinVar variation 1149027 (VCV001149027.11), dbSNP rs769878334, ClinGen allele CA2090449.
Genomic context (GRCh38, chr2:214,792,289, plus strand): 5'-TTTATGAATATGAATTCATCAGTTTTTAACTGATGAATTTAACTAAGAGAGATAGGGATA[G>A]TTCTTACCTGACAGCTCATTGTCATGTAGCAAATTTCGAAGCTTACTACAAAGTTGAATC-3'